The following is an entry in ClinVar:

NM_001114753.3(ENG):c.95T>A (p.Leu32His)

Gene: ENG (endoglin; minus strand). Cytogenetic location: 9q34.11.
Variant type: single nucleotide variant.
Coding change: c.95T>A on transcript NM_001114753.3 (MANE Select); coding-DNA position 95, T replaced by A.
Protein change: p.Leu32His; replaces leucine 32 with histidine.
Molecular consequence: missense variant. On other transcripts: 5 prime UTR variant (1).
Genome position (GRCh38, 1-based): chr9:127,843,218, A>T on the plus strand (T>A on the coding strand, the complement: ENG is on the minus strand). VCF-style: chr9-127843218-A-T. GRCh37 (hg19) VCF-style: chr9-130605497-A-T.
Other names: c.95T>A, p.Leu32His (NM_000118.4, NM_001406715.1); c.-452T>A (NM_001278138.2); short protein forms L32H.
Identifiers: ClinVar variation 1767532 (VCV001767532.7), dbSNP rs2539107650, ClinGen allele CA374989159.

ClinVar aggregate classification (germline): Pathogenic/Likely pathogenic. Review status: criteria provided, multiple submitters, no conflicts (2 of 4 stars). 2 submissions from 2 submitters: Pathogenic (1); Likely pathogenic (1). Last evaluated 2022-03-22.

Conditions:
Cardiovascular phenotype. Identifiers: MedGen CN230736.
Hereditary hemorrhagic telangiectasia (HHT). Also called: ORW DISEASE; Osler Weber Rendu syndrome; OSLER-RENDU-WEBER DISEASE; Osler hemorrhagic telangiectasia syndrome. Identifiers: Orphanet 774, MedGen C0039445, MONDO:0019180. Disease mechanism: loss of function.

Submissions (2):

Ambry Genetics
Classification: Likely pathogenic for Cardiovascular phenotype. Last evaluated: 2022-03-22. Review status: criteria provided, single submitter. Criteria: Ambry Variant Classification Scheme 2023. Collection method: clinical testing. Allele origin: germline.
Comment: The p.L32H variant (also known as c.95T>A), located in coding exon 2 of the ENG gene, results from a T to A substitution at nucleotide position 95. The leucine at codon 32 is replaced by histidine, an amino acid with similar properties. This variant was first reported in an individual with a clinical diagnosis of hereditary hemorrhagic telangiectasia (HHT) (Gedge F et al. J Mol Diagn, 2007 Apr;9:258-65). In another study, this variant was identified in a family with a clinical diagnosis of HHT including pulmonary arteriovenous malformations. NIH3T3 cells expressing this variant showed <20% cell surface expression and no BMP9 binding or response compared to wild type (Mallet C et al. Hum. Mol. Genet., 2015 Feb;24:1142-54). This amino acid position is highly conserved in available vertebrate species on limited alignment. In addition, this alteration is predicted to be deleterious by in silico analysis. Based on the majority of available evidence to date, this variant is likely to be pathogenic.

Labcorp Genetics (formerly Invitae), Labcorp
Classification: Pathogenic for Hereditary hemorrhagic telangiectasia. Last evaluated: 2022-03-19. Review status: criteria provided, single submitter. Criteria: Invitae Variant Classification Sherloc (09022015). Collection method: clinical testing. Allele origin: germline.
Comment: For these reasons, this variant has been classified as Pathogenic. Advanced modeling of protein sequence and biophysical properties (such as structural, functional, and spatial information, amino acid conservation, physicochemical variation, residue mobility, and thermodynamic stability) performed at Invitae indicates that this missense variant is expected to disrupt ENG protein function. This missense change has been observed in individuals with hereditary hemorrhagic telangiectasia (PMID: 17384219, 25312062; Invitae). This variant is not present in population databases (gnomAD no frequency). This sequence change replaces leucine, which is neutral and non-polar, with histidine, which is basic and polar, at codon 32 of the ENG protein (p.Leu32His). Experimental studies have shown that this missense change affects ENG function (PMID: 25312062).

Literature cited by the submitters: PubMed 10751092 (cited by Ambry Genetics); PubMed 17384219 (cited by Ambry Genetics and Labcorp Genetics (formerly Invitae), Labcorp); PubMed 25312062 (cited by Ambry Genetics and Labcorp Genetics (formerly Invitae), Labcorp).